The following is an entry in ClinVar:

NM_000222.3(KIT):c.535T>C (p.Tyr179His)

Gene: KIT (KIT proto-oncogene, receptor tyrosine kinase; plus strand). Cytogenetic location: 4q12.
Variant type: single nucleotide variant.
Coding change: c.535T>C on transcript NM_000222.3 (MANE Select); coding-DNA position 535, T replaced by C.
Protein change: p.Tyr179His; replaces tyrosine 179 with histidine.
Molecular consequence: missense variant.
Genome position (GRCh38, 1-based): chr4:54,698,481, T>C. VCF-style: chr4-54698481-T-C. GRCh37 (hg19) VCF-style: chr4-55564647-T-C.
Other names: c.535T>C, p.Tyr179His (NM_001093772.2, NM_001385284.1, NM_001385285.1 and 4 more transcripts); short protein forms Y179H.
Identifiers: ClinVar variation 5023279 (VCV005023279.1).

ClinVar aggregate classification (germline): Uncertain significance (1 of 4 stars; one submission).

Conditions:
Hereditary cancer-predisposing syndrome. Also called: Neoplastic Syndromes, Hereditary; Tumor predisposition; Hereditary neoplastic syndrome; Hereditary Cancer Syndrome. Identifiers: Orphanet 140162, MedGen C0027672, MeSH D009386, MONDO:0015356.

Submission:

Ambry Genetics
Classification: Uncertain significance for Hereditary cancer-predisposing syndrome. Last evaluated: 2026-07-07. Review status: criteria provided, single submitter. Criteria: Ambry Variant Classification Scheme 2023. Collection method: clinical testing. Allele origin: germline.
Comment: The p.Y179H variant (also known as c.535T>C), located in coding exon 3 of the KIT gene, results from a T to C substitution at nucleotide position 535. The tyrosine at codon 179 is replaced by histidine, an amino acid with similar properties. This amino acid position is conserved. In addition, this alteration is predicted to be tolerated by in silico analysis. Based on the available evidence, the clinical significance of this variant remains unclear.